The following is an entry in ClinVar:

NM_015466.4(PTPN23):c.4831G>A (p.Gly1611Arg)

Gene: PTPN23 (protein tyrosine phosphatase non-receptor type 23; plus strand). Cytogenetic location: 3p21.31.
Variant type: single nucleotide variant.
Coding change: c.4831G>A on transcript NM_015466.4 (MANE Select); coding-DNA position 4831, G replaced by A.
Protein change: p.Gly1611Arg; replaces glycine 1611 with arginine.
Molecular consequence: missense variant.
Genome position (GRCh38, 1-based): chr3:47,413,105, G>A. VCF-style: chr3-47413105-G-A. GRCh37 (hg19) VCF-style: chr3-47454595-G-A.
Other names: c.4831G>A (NM_015466.2); c.4453G>A, p.Gly1485Arg (NM_001304482.2); short protein forms G1485R, G1611R.
Identifiers: ClinVar variation 1444917 (VCV001444917.8), dbSNP rs143551775, ClinGen allele CA2366723.

ClinVar aggregate classification (germline): Uncertain significance. Review status: criteria provided, multiple submitters, no conflicts (2 of 4 stars). 2 submissions from 2 submitters: Uncertain significance (2). Last evaluated 2025-08-21.

Conditions:
Inborn genetic diseases. Identifiers: MedGen C0950123, MeSH D030342.

Allele frequency attached by ClinVar (database versions not stated): ExAC 0.00001; gnomAD 0.00001; TOPMed 0.00002; ESP Exome Variant Server 0.00008.
gnomAD v4.1: 17 of 1,612,780 alleles (0.0011%); highest among the groups gnomAD compares: African/African-American, 0.0013%; no homozygotes.

Submissions (2):

Labcorp Genetics (formerly Invitae), Labcorp
Classification: Uncertain significance. Last evaluated: 2025-08-21. Review status: criteria provided, single submitter. Criteria: Invitae Variant Classification Sherloc (09022015). Collection method: clinical testing. Allele origin: germline.
Comment: This sequence change replaces glycine, which is neutral and non-polar, with arginine, which is basic and polar, at codon 1611 of the PTPN23 protein (p.Gly1611Arg). This variant is present in population databases (rs143551775, gnomAD 0.005%). This variant has not been reported in the literature in individuals affected with PTPN23-related conditions. ClinVar contains an entry for this variant (Variation ID: 1444917). Experimental studies and prediction algorithms are not available or were not evaluated, and the functional significance of this variant is currently unknown. In summary, the available evidence is currently insufficient to determine the role of this variant in disease. Therefore, it has been classified as a Variant of Uncertain Significance.

Ambry Genetics
Classification: Uncertain significance for Inborn genetic diseases. Last evaluated: 2025-02-05. Review status: criteria provided, single submitter. Criteria: Ambry Variant Classification Scheme 2023. Collection method: clinical testing. Allele origin: germline.